The following is an entry in ClinVar:

NM_005861.4(STUB1):c.636C>G (p.Asp212Glu)

Genes: JMJD8 (jumonji domain containing 8; minus strand), STUB1 (STIP1 homology and U-box containing protein 1; plus strand). Cytogenetic location: 16p13.3.
Variant type: single nucleotide variant.
Coding change: c.636C>G on transcript NM_005861.4 (MANE Select); coding-DNA position 636, C replaced by G.
Protein change: p.Asp212Glu; replaces aspartic acid 212 with glutamic acid.
Molecular consequence: missense variant. On other transcripts: 3 prime UTR variant (5), non-coding transcript variant (3).
Genome position (GRCh38, 1-based): chr16:682,043, C>G. VCF-style: chr16-682043-C-G. GRCh37 (hg19) VCF-style: chr16-732043-C-G.
Other names: c.420C>G, p.Asp140Glu (NM_001293197.2); c.*751G>C (NM_001005920.4, NM_001323919.3, NM_001323920.3); c.*785G>C (NM_001323918.3, NM_001323922.3); short protein forms D140E, D212E.
Identifiers: ClinVar variation 2504526 (VCV002504526.1), dbSNP rs763996963, ClinGen allele CA394113483.

ClinVar aggregate classification (germline): Uncertain significance (1 of 4 stars; one submission).

gnomAD v4.1: 2 of 1,588,860 alleles (0.00013%); highest among the groups gnomAD compares: Non-Finnish European, 0.00017%; no homozygotes.

Submission:

GeneDx
Classification: Uncertain significance. Last evaluated: 2022-11-30. Review status: criteria provided, single submitter. Criteria: GeneDx Variant Classification Process June 2021. Collection method: clinical testing. Allele origin: germline. Affected: yes.
Comment: Not observed at significant frequency in large population cohorts (gnomAD); In silico analysis supports that this missense variant does not alter protein structure/function; Has not been previously published as pathogenic or benign to our knowledge